The following is an entry in ClinVar:

ClinVar aggregate classification (germline): Uncertain significance (1 of 4 stars; one submission).

Submission:

GeneDx
Classification: Uncertain significance. Last evaluated: 2026-04-03. Review status: criteria provided, single submitter. Criteria: GeneDx Variant Classification Process June 2021. Collection method: clinical testing. Allele origin: germline.
Comment: Not observed at significant frequency in large population cohorts (gnomAD); In silico analysis suggests that this missense variant does not alter protein structure/function; Has not been previously published as pathogenic or benign to our knowledge

NM_001003694.2(BRPF1):c.1289G>A (p.Gly430Asp)

Gene: BRPF1 (bromodomain and PHD finger containing 1; plus strand). Cytogenetic location: 3p25.3.
Variant type: single nucleotide variant.
Coding change: c.1289G>A on transcript NM_001003694.2 (MANE Select); coding-DNA position 1289, G replaced by A.
Protein change: p.Gly430Asp; replaces glycine 430 with aspartic acid.
Molecular consequence: missense variant. On other transcripts: non-coding transcript variant (1).
Genome position (GRCh38, 1-based): chr3:9,739,688, G>A. VCF-style: chr3-9739688-G-A. GRCh37 (hg19) VCF-style: chr3-9781372-G-A.
Other names: c.1289G>A, p.Gly430Asp (NM_001319049.2, NM_001319050.2, NM_001410704.1 and 7 more transcripts); short protein forms G430D.
Identifiers: ClinVar variation 4526999 (VCV004526999.2).
Genomic context (GRCh38, chr3:9,739,688, plus strand): 5'-ATGTGACATGCGCCCAGCAGGCTGGCCTTTACATGAAGATGGAGCCTGTGCGGGAGACAG[G>A]CGCCAACGGCACCTCTTTCAGTGTCCGCAAGACAGCCTACTGCGACATCCACACGCCTCC-3'
Protein context (NP_001003694.1, residues 420-440): YMKMEPVRET[Gly430Asp]ANGTSFSVRK